The following is an entry in ClinVar:

NM_004463.3(FGD1):c.2732G>A (p.Arg911His)

Genes: FGD1 (FYVE, RhoGEF and PH domain containing 1; minus strand), TSR2 (TSR2 ribosome maturation factor; plus strand). Cytogenetic location: Xp11.22.
Variant type: single nucleotide variant.
Coding change: c.2732G>A on transcript NM_004463.3 (MANE Select); coding-DNA position 2732, G replaced by A.
Protein change: p.Arg911His; replaces arginine 911 with histidine.
Molecular consequence: missense variant. On other transcripts: 3 prime UTR variant (5).
Genome position (GRCh38, 1-based): chrX:54,446,263, C>T on the plus strand (G>A on the coding strand, the complement: FGD1 is on the minus strand). VCF-style: chrX-54446263-C-T. GRCh37 (hg19) VCF-style: chrX-54472696-C-T.
Other names: c.*1713C>T (NM_001346789.2, NM_001346790.2, NM_001346791.2 and 2 more transcripts); short protein forms R911H.
Identifiers: ClinVar variation 5017109 (VCV005017109.1).

ClinVar aggregate classification (germline): Uncertain significance (1 of 4 stars; one submission).

gnomAD v4.1: 2 of 1,211,989 alleles (0.00017%); highest among the groups gnomAD compares: Non-Finnish European, 0.00022%; no homozygotes.

Submission:

GeneDx
Classification: Uncertain significance. Last evaluated: 2026-03-23. Review status: criteria provided, single submitter. Criteria: GeneDx Variant Classification Process June 2021. Collection method: clinical testing. Allele origin: germline.
Comment: Not observed at significant frequency in large population cohorts (gnomAD); In silico analysis supports that this missense variant has a deleterious effect on protein structure/function; Has not been previously published as pathogenic or benign to our knowledge